The following is an entry in ClinVar:

ClinVar aggregate classification (germline): Uncertain significance. Review status: criteria provided, multiple submitters, no conflicts (2 of 4 stars). 2 submissions from 2 submitters: Uncertain significance (2). Last evaluated 2025-03-03.

Conditions:
Ciliary dyskinesia, primary, 46. Identifiers: MedGen C5543646, MONDO:0030332, OMIM 619436.

Submissions (2):

Clinical Genomics Laboratory, Washington University in St. Louis
Classification: Uncertain significance for Ciliary dyskinesia, primary, 46. Last evaluated: 2025-03-03. Review status: criteria provided, single submitter. Criteria: ACMG Guidelines, 2015. Collection method: clinical testing. Allele origin: germline.
Comment: The STK36 c.482A>G (p.Lys161Arg) variant, to our knowledge, has not been reported in the medical literature but has been reported in the ClinVar database as a germline variant of uncertain significance by one submitter. This variant is only observed on 1/251,406 alleles in the general population (gnomAD v.2.1.1), indicating it is not a common variant. This variant occurs in the serine/threonine kinase domain, but computational predictors are uncertain as to the impact of this variant on STK36 function. Due to limited information, and based on ACMG/AMP guidelines for variant interpretation (Richards S et al., PMID: 25741868), the clinical significance of this variant is uncertain at this time.

Ambry Genetics
Classification: Uncertain significance. Last evaluated: 2024-05-31. Review status: criteria provided, single submitter. Criteria: Ambry Variant Classification Scheme 2023. Collection method: clinical testing. Allele origin: germline.

NM_015690.5(STK36):c.482A>G (p.Lys161Arg)

Gene: STK36 (serine/threonine kinase 36; plus strand). Cytogenetic location: 2q35.
Variant type: single nucleotide variant.
Coding change: c.482A>G on transcript NM_015690.5 (MANE Select); coding-DNA position 482, A replaced by G.
Protein change: p.Lys161Arg; replaces lysine 161 with arginine.
Molecular consequence: missense variant.
Genome position (GRCh38, 1-based): chr2:218,676,076, A>G. VCF-style: chr2-218676076-A-G. GRCh37 (hg19) VCF-style: chr2-219540799-A-G.
Other names: c.482A>G, p.Lys161Arg (NM_001243313.2, NM_001369423.1); short protein forms K161R.
Identifiers: ClinVar variation 3323331 (VCV003323331.2).